The following is an entry in ClinVar:

ClinVar aggregate classification (germline): Uncertain significance (1 of 4 stars; one submission).

Conditions:
Arrhythmogenic right ventricular dysplasia 13. Also called: Arrhythmogenic right ventricular dysplasia, familial, 13; ARRHYTHMOGENIC RIGHT VENTRICULAR CARDIOMYOPATHY 13. Identifiers: MedGen C3810138, MONDO:0000908, OMIM 615616.

Allele frequency attached by ClinVar (database versions not stated): gnomAD exomes 0.00001; TOPMed 0.00001; ExAC 0.00003.
gnomAD v4.1: 16 of 1,607,036 alleles (0.001%); highest among the groups gnomAD compares: Non-Finnish European, 0.0014%; no homozygotes.

Submission:

Labcorp Genetics (formerly Invitae), Labcorp
Classification: Uncertain significance for Arrhythmogenic right ventricular dysplasia 13. Last evaluated: 2021-12-31. Review status: criteria provided, single submitter. Criteria: Invitae Variant Classification Sherloc (09022015). Collection method: clinical testing. Allele origin: germline.
Comment: This variant is present in population databases (rs746240423, gnomAD 0.005%). This variant has not been reported in the literature in individuals affected with CTNNA3-related conditions. Algorithms developed to predict the effect of missense changes on protein structure and function are either unavailable or do not agree on the potential impact of this missense change (SIFT: "Deleterious"; PolyPhen-2: "Not Available"; Align-GVGD: "Class C0"). This sequence change replaces isoleucine, which is neutral and non-polar, with asparagine, which is neutral and polar, at codon 620 of the CTNNA3 protein (p.Ile620Asn). In summary, the available evidence is currently insufficient to determine the role of this variant in disease. Therefore, it has been classified as a Variant of Uncertain Significance.

NM_013266.4(CTNNA3):c.1859T>A (p.Ile620Asn)

Gene: CTNNA3 (catenin alpha 3; minus strand). Cytogenetic location: 10q21.3.
Variant type: single nucleotide variant.
Coding change: c.1859T>A on transcript NM_013266.4 (MANE Select); coding-DNA position 1859, T replaced by A.
Protein change: p.Ile620Asn; replaces isoleucine 620 with asparagine.
Molecular consequence: missense variant.
Genome position (GRCh38, 1-based): chr10:66,280,495, A>T on the plus strand (T>A on the coding strand, the complement: CTNNA3 is on the minus strand). VCF-style: chr10-66280495-A-T. GRCh37 (hg19) VCF-style: chr10-68040253-A-T.
Other names: c.1859T>A, p.Ile620Asn (NM_001127384.3); short protein forms I620N.
Identifiers: ClinVar variation 2186189 (VCV002186189.4), dbSNP rs746240423, ClinGen allele CA5519797.